The following is an entry in ClinVar:

NM_177402.5(SYT2):c.1142C>T (p.Thr381Met)

Gene: SYT2 (synaptotagmin 2; minus strand). Cytogenetic location: 1q32.1.
Variant type: single nucleotide variant.
Coding change: c.1142C>T on transcript NM_177402.5 (MANE Select); coding-DNA position 1142, C replaced by T.
Protein change: p.Thr381Met; replaces threonine 381 with methionine.
Molecular consequence: missense variant.
Genome position (GRCh38, 1-based): chr1:202,596,875, G>A on the plus strand (C>T on the coding strand, the complement: SYT2 is on the minus strand). VCF-style: chr1-202596875-G-A. GRCh37 (hg19) VCF-style: chr1-202566003-G-A.
Other names: c.1142C>T, p.Thr381Met (NM_001136504.1); short protein forms T381M.
Identifiers: ClinVar variation 1426728 (VCV001426728.30), dbSNP rs377756166, ClinGen allele CA1333603.

ClinVar aggregate classification (germline): Uncertain significance. Review status: criteria provided, multiple submitters, no conflicts (2 of 4 stars). 3 submissions from 3 submitters: Uncertain significance (3). Last evaluated 2025-08-18.

Conditions:
Inborn genetic diseases. Identifiers: MedGen C0950123, MeSH D030342.

Allele frequency attached by ClinVar (database versions not stated): ExAC 0.00002; gnomAD 0.00002; gnomAD exomes 0.00003 and 0.00010; TOPMed 0.00003; ESP Exome Variant Server 0.00008.
gnomAD v4.1: 145 of 1,614,108 alleles (0.009%); highest among the groups gnomAD compares: Middle Eastern, 0.016%; no homozygotes.

Submissions (3):

Labcorp Genetics (formerly Invitae), Labcorp
Classification: Uncertain significance. Last evaluated: 2025-08-18. Review status: criteria provided, single submitter. Criteria: Invitae Variant Classification Sherloc (09022015). Collection method: clinical testing. Allele origin: germline.
Comment: This sequence change replaces threonine, which is neutral and polar, with methionine, which is neutral and non-polar, at codon 381 of the SYT2 protein (p.Thr381Met). This variant is present in population databases (rs377756166, gnomAD 0.006%). This variant has not been reported in the literature in individuals affected with SYT2-related conditions. ClinVar contains an entry for this variant (Variation ID: 1426728). Invitae Evidence Modeling of protein sequence and biophysical properties (such as structural, functional, and spatial information, amino acid conservation, physicochemical variation, residue mobility, and thermodynamic stability) indicates that this missense variant is expected to disrupt SYT2 protein function with a positive predictive value of 80%. In summary, the available evidence is currently insufficient to determine the role of this variant in disease. Therefore, it has been classified as a Variant of Uncertain Significance.

Ambry Genetics
Classification: Uncertain significance for Inborn genetic diseases. Last evaluated: 2025-02-08. Review status: criteria provided, single submitter. Criteria: Ambry Variant Classification Scheme 2023. Collection method: clinical testing. Allele origin: germline.

CeGaT Center for Human Genetics Tuebingen
Classification: Uncertain significance. Last evaluated: 2022-08-01. Review status: criteria provided, single submitter. Criteria: CeGaT Center For Human Genetics Tuebingen Variant Classification Criteria Version 2. Collection method: clinical testing. Allele origin: germline. Affected: yes. Observed: 1 variant allele.